The following is an entry in ClinVar:

NM_004370.6(COL12A1):c.7048G>C (p.Val2350Leu)

Gene: COL12A1 (collagen type XII alpha 1 chain; minus strand). Cytogenetic location: 6q13.
Variant type: single nucleotide variant.
Coding change: c.7048G>C on transcript NM_004370.6 (MANE Select); coding-DNA position 7048, G replaced by C.
Protein change: p.Val2350Leu; replaces valine 2350 with leucine.
Molecular consequence: missense variant.
Genome position (GRCh38, 1-based): chr6:75,121,340, C>G on the plus strand (G>C on the coding strand, the complement: COL12A1 is on the minus strand). VCF-style: chr6-75121340-C-G. GRCh37 (hg19) VCF-style: chr6-75831056-C-G.
Other names: c.7048G>C, p.Val2350Leu (NM_001424113.1); c.7027G>C, p.Val2343Leu (NM_001424114.1); c.6775G>C, p.Val2259Leu (NM_001424115.1); c.3556G>C, p.Val1186Leu (NM_001424116.1, NM_080645.3); short protein forms V1186L, V2259L, V2343L, V2350L.
Identifiers: ClinVar variation 4793692 (VCV004793692.1).

ClinVar aggregate classification (germline): Uncertain significance (1 of 4 stars; one submission).

Conditions:
Ullrich congenital muscular dystrophy 2 (UCMD2). Identifiers: Orphanet 75840, MedGen C4225314, MONDO:0014654, OMIM 616470.
Bethlem myopathy 2 (BTHLM2). Identifiers: Orphanet 536516, Orphanet 610, MedGen C4225313, MONDO:0034022, OMIM 616471.

Submission:

Labcorp Genetics (formerly Invitae), Labcorp
Classification: Uncertain significance for Bethlem myopathy 2; Ullrich congenital muscular dystrophy 2. Last evaluated: 2025-11-28. Review status: criteria provided, single submitter. Criteria: Invitae Variant Classification Sherloc (09022015). Collection method: clinical testing. Allele origin: germline.
Comment: This sequence change replaces valine, which is neutral and non-polar, with leucine, which is neutral and non-polar, at codon 2350 of the COL12A1 protein (p.Val2350Leu). This variant is not present in population databases (gnomAD no frequency). This variant has not been reported in the literature in individuals affected with COL12A1-related conditions. Invitae Evidence Modeling of protein sequence and biophysical properties (such as structural, functional, and spatial information, amino acid conservation, physicochemical variation, residue mobility, and thermodynamic stability) indicates that this missense variant is not expected to disrupt COL12A1 protein function with a negative predictive value of 80%. In summary, the available evidence is currently insufficient to determine the role of this variant in disease. Therefore, it has been classified as a Variant of Uncertain Significance.